The following is an entry in ClinVar:

ClinVar aggregate classification (germline): Likely pathogenic (1 of 4 stars; one submission).

Conditions:
Zellweger spectrum disorders (ZS). Also called: Zellweger Spectrum Disorder (ZSD); Zellweger syndrome; Zellweger Spectrum Disorder; Zellweger Spectrum. Identifiers: Orphanet 912, MedGen C0043459, MONDO:0019609.

Submission:

Natera, Inc.
Classification: Likely pathogenic for Zellweger syndrome. Last evaluated: 2025-12-23. Review status: criteria provided, single submitter. Criteria: Natera Variant Classification Schema (03/2026). Collection method: clinical testing. Allele origin: germline.
Comment: The c.402del variant in PEX1 is a frameshift variant predicted to shift the reading frame beginning at codon 135 and leads to a stop codon 2 codons downstream. This variant is expected to result in nonsense mediated decay, truncation, or a dysfunctional protein product. This variant is rare in the general population with a frequency below the threshold expected for the associated phenotype(s). Given the available evidence, this variant is classified as Likely Pathogenic.

NM_000466.3(PEX1):c.402del (p.Arg135fs)

Gene: PEX1 (peroxisomal biogenesis factor 1; minus strand). Cytogenetic location: 7q21.2.
Variant type: Deletion.
Coding change: c.402del on transcript NM_000466.3 (MANE Select); coding-DNA position 402, one base deleted (T; older notation c.402delT).
Protein change: p.Arg135fs; shifts the reading frame from arginine 135.
Molecular consequence: frameshift variant. On other transcripts: 5 prime UTR variant (1).
Genome position (GRCh38, 1-based): chr7:92,518,211, A deleted on the plus strand (T on the coding strand, the reverse complement: PEX1 is on the minus strand); the first of 2 consecutive A bases (chr7:92,518,211-92,518,212); deleting either gives the same sequence. VCF-style (leftmost placement, unchanged base first): chr7-92518210-GA-G. GRCh37 (hg19) VCF-style: chr7-92147524-GA-G.
Other names: c.402del, p.Arg135fs (NM_001282677.2); c.-223del (NM_001282678.2); short protein forms R135fs.
Identifiers: ClinVar variation 4818410 (VCV004818410.1).